The following is an entry in ClinVar:

NM_032776.3(JMJD1C):c.3100C>T (p.Pro1034Ser)

Gene: JMJD1C (jumonji domain containing 1C; minus strand). Cytogenetic location: 10q21.3.
Variant type: single nucleotide variant.
Coding change: c.3100C>T on transcript NM_032776.3 (MANE Select); coding-DNA position 3100, C replaced by T.
Protein change: p.Pro1034Ser; replaces proline 1034 with serine.
Molecular consequence: missense variant. On other transcripts: non-coding transcript variant (1).
Genome position (GRCh38, 1-based): chr10:63,208,569, G>A on the plus strand (C>T on the coding strand, the complement: JMJD1C is on the minus strand). VCF-style: chr10-63208569-G-A. GRCh37 (hg19) VCF-style: chr10-64968329-G-A.
Other names: c.2554C>T, p.Pro852Ser (NM_001282948.2, NM_001318154.2); c.2236C>T, p.Pro746Ser (NM_001318153.2); c.2986C>T, p.Pro996Ser (NM_001322252.2); c.2443C>T, p.Pro815Ser (NM_001322254.2, NM_001322258.2); short protein forms P852S, P1034S, P746S, P996S, P815S.
Identifiers: ClinVar variation 2054984 (VCV002054984.4), dbSNP rs757473112, ClinGen allele CA5518491.

ClinVar aggregate classification (germline): Uncertain significance (1 of 4 stars; one submission).

Conditions:
Early Myoclonic Encephalopathy. Identifiers: MedGen C0270855.

Allele frequency attached by ClinVar (database versions not stated): ExAC 0.00002; gnomAD 0.00003.
gnomAD v4.1: 20 of 1,613,918 alleles (0.0012%); highest among the groups gnomAD compares: Non-Finnish European, 0.00017%; no homozygotes.

Submission:

Labcorp Genetics (formerly Invitae), Labcorp
Classification: Uncertain significance for Early Myoclonic Encephalopathy. Last evaluated: 2025-10-29. Review status: criteria provided, single submitter. Criteria: Invitae Variant Classification Sherloc (09022015). Collection method: clinical testing. Allele origin: germline.
Comment: This sequence change replaces proline, which is neutral and non-polar, with serine, which is neutral and polar, at codon 1034 of the JMJD1C protein (p.Pro1034Ser). This variant is present in population databases (rs757473112, gnomAD 0.04%). This variant has not been reported in the literature in individuals affected with JMJD1C-related conditions. ClinVar contains an entry for this variant (Variation ID: 2054984). Invitae Evidence Modeling of protein sequence and biophysical properties (such as structural, functional, and spatial information, amino acid conservation, physicochemical variation, residue mobility, and thermodynamic stability) indicates that this missense variant is not expected to disrupt JMJD1C protein function with a negative predictive value of 80%. In summary, the available evidence is currently insufficient to determine the role of this variant in disease. Therefore, it has been classified as a Variant of Uncertain Significance.